The following is an entry in ClinVar:

ClinVar aggregate classification (germline): Benign/Likely benign. Review status: criteria provided, multiple submitters, no conflicts (2 of 4 stars). 5 submissions from 5 submitters: Benign (3); Likely benign (2). Last evaluated 2026-02-04.

Conditions:
Congenital adrenal insufficiency with 46, XY sex reversal OR 46,XY disorder of sex development-adrenal insufficiency due to CYP11A1 deficiency. Also called: P450scc DEFICIENCY; Congenital adrenal insuffiency with 46, XY sex reversal OR 46,XY disorder of sex development-adrenal insufficiency due to CYP11A1 deficiency. Identifiers: Orphanet 168558, MedGen C3151055, MONDO:0013400, OMIM 613743.

Allele frequency attached by ClinVar (database versions not stated): gnomAD exomes 0.00207 and 0.00235; ExAC 0.00221; 1000 Genomes Project 0.00359; 1000 Genomes Project 30x 0.00375; gnomAD 0.00415 and 0.00436; TOPMed 0.00453; ESP Exome Variant Server 0.00470.
gnomAD v4.1: 4,054 of 1,614,142 alleles (0.25%); highest among the groups gnomAD compares: African/African-American, 1.1%; 12 homozygotes.

Submissions (5):

Labcorp Genetics (formerly Invitae), Labcorp
Classification: Benign. Last evaluated: 2026-02-04. Review status: criteria provided, single submitter. Criteria: Invitae Variant Classification Sherloc (09022015). Collection method: clinical testing. Allele origin: germline.

GeneDx
Classification: Likely benign. Last evaluated: 2022-04-28. Review status: criteria provided, single submitter. Criteria: GeneDx Variant Classification Process June 2021. Collection method: clinical testing. Allele origin: germline. Affected: yes.
Comment: See Variant Classification Assertion Criteria.

Genetic Services Laboratory, University of Chicago
Classification: Benign. Last evaluated: 2018-08-24. Review status: criteria provided, single submitter. Criteria: ACMG Guidelines, 2015. Collection method: clinical testing. Allele origin: germline. Affected: no.

Illumina Laboratory Services, Illumina
Classification: Benign for Congenital adrenal insufficiency with 46, XY sex reversal OR 46,XY disorder of sex development-adrenal insufficiency due to CYP11A1 deficiency. Last evaluated: 2018-01-13. Review status: criteria provided, single submitter. Criteria: ICSL Variant Classification Criteria 13 December 2019. Collection method: clinical testing. Allele origin: germline.
Comment: This variant was observed in the ICSL laboratory as part of a predisposition screen in an ostensibly healthy population. It had not been previously curated by ICSL or reported in the Human Gene Mutation Database (HGMD: prior to June 1st, 2018), and was therefore a candidate for classification through an automated scoring system. Utilizing variant allele frequency, disease prevalence and penetrance estimates, and inheritance mode, an automated score was calculated to assess if this variant is too frequent to cause the disease. Based on the score and internal cut-off values, a variant classified as benign is not then subjected to further curation. The score for this variant resulted in a classification of benign for this disease.

Breakthrough Genomics
Classification: Likely benign. Review status: criteria provided, single submitter. Criteria: ACMG Guidelines, 2015. Collection method: not provided. Allele origin: germline. Inheritance: Unknown mechanism. Affected: yes.

NM_000781.3(CYP11A1):c.535G>A (p.Val179Ile)

Gene: CYP11A1 (cytochrome P450 family 11 subfamily A member 1; minus strand). Cytogenetic location: 15q24.1.
Variant type: single nucleotide variant.
Coding change: c.535G>A on transcript NM_000781.3 (MANE Select); coding-DNA position 535, G replaced by A.
Protein change: p.Val179Ile; replaces valine 179 with isoleucine.
Molecular consequence: missense variant.
Genome position (GRCh38, 1-based): chr15:74,345,134, C>T on the plus strand (G>A on the coding strand, the complement: CYP11A1 is on the minus strand). VCF-style: chr15-74345134-C-T. GRCh37 (hg19) VCF-style: chr15-74637475-C-T.
Other names: c.61G>A, p.Val21Ile (NM_001099773.2); short protein forms V21I, V179I.
Identifiers: ClinVar variation 780058 (VCV000780058.18), dbSNP rs58174009, ClinGen allele CA7656549.